The following is an entry in ClinVar:

NM_001999.4(FBN2):c.3469A>G (p.Met1157Val)

Gene: FBN2 (fibrillin 2; minus strand). Cytogenetic location: 5q23.3.
Variant type: single nucleotide variant.
Coding change: c.3469A>G on transcript NM_001999.4 (MANE Select); coding-DNA position 3469, A replaced by G.
Protein change: p.Met1157Val; replaces methionine 1157 with valine.
Molecular consequence: missense variant.
Genome position (GRCh38, 1-based): chr5:128,338,936, T>C on the plus strand (A>G on the coding strand, the complement: FBN2 is on the minus strand). VCF-style: chr5-128338936-T-C. GRCh37 (hg19) VCF-style: chr5-127674628-T-C.
Other names: short protein forms M1157V.
Identifiers: ClinVar variation 234739 (VCV000234739.5), dbSNP rs876661190, ClinGen allele CA10577322.

ClinVar aggregate classification (germline): Uncertain significance. Review status: criteria provided, multiple submitters, no conflicts (2 of 4 stars). 2 submissions from 2 submitters: Uncertain significance (2). Last evaluated 2023-07-31.

Conditions:
Congenital contractural arachnodactyly (CCA). Also called: BEALS SYNDROME; Beals-Hecht syndrome; Arthrogryposis, distal, type 9. Identifiers: Orphanet 115, MedGen C0220668, MONDO:0007363, OMIM 121050.

Allele frequency attached by ClinVar (database versions not stated): gnomAD exomes below 0.00001.

Submissions (2):

Labcorp Genetics (formerly Invitae), Labcorp
Classification: Uncertain significance for Congenital contractural arachnodactyly. Last evaluated: 2023-07-31. Review status: criteria provided, single submitter. Criteria: Invitae Variant Classification Sherloc (09022015). Collection method: clinical testing. Allele origin: germline.
Comment: This sequence change replaces methionine, which is neutral and non-polar, with valine, which is neutral and non-polar, at codon 1157 of the FBN2 protein (p.Met1157Val). In summary, the available evidence is currently insufficient to determine the role of this variant in disease. Therefore, it has been classified as a Variant of Uncertain Significance. Advanced modeling of protein sequence and biophysical properties (such as structural, functional, and spatial information, amino acid conservation, physicochemical variation, residue mobility, and thermodynamic stability) performed at Invitae indicates that this missense variant is not expected to disrupt FBN2 protein function. ClinVar contains an entry for this variant (Variation ID: 234739). This variant has not been reported in the literature in individuals affected with FBN2-related conditions. This variant is present in population databases (no rsID available, gnomAD 0.003%).

GeneDx
Classification: Uncertain significance. Last evaluated: 2016-12-29. Review status: criteria provided, single submitter. Criteria: GeneDx Variant Classification (06012015). Collection method: clinical testing. Allele origin: germline. Affected: yes.
Comment: The M1157V variant has not been published as a pathogenic variant, nor has it been reported as a benign variant to our knowledge. It was not observed in approximately 6,500 individuals of European and African American ancestry in the NHLBI Exome Sequencing Project, indicating it is not a common benign variant in these populations. This substitution occurs at a position that is conserved across species. Moreover, missense variants in nearby residues (C1156F, E1161K) have been reported in the Human Gene Mutation Database in association with contractural arachnodactyly (Stenson et al., 2014), supporting the functional importance of this region of the protein. Nevertheless, the M1157V variant is a conservative amino acid substitution, which is not likely to impact secondary protein structure as these residues share similar properties. Additionally, although M1157V is located in a calcium-binding EGF-like domain of the FBN2 gene, it does not affect a Cysteine residue. Cysteine substitutions in the calcium-binding EGF-like domains represent the majority of pathogenic missense changes associated with congenital arachnodactyly (Collod-Beroud et al., 2003). Lastly, in silico analysis is inconsistent in its predictions as to whether or not the variant is damaging to the protein structure/function.